The following is an entry in ClinVar:

NM_001077653.2(TBX20):c.923C>T (p.Ser308Phe)

Gene: TBX20 (T-box transcription factor 20; minus strand). Cytogenetic location: 7p14.2.
Variant type: single nucleotide variant.
Coding change: c.923C>T on transcript NM_001077653.2 (MANE Select); coding-DNA position 923, C replaced by T.
Protein change: p.Ser308Phe; replaces serine 308 with phenylalanine.
Molecular consequence: missense variant.
Genome position (GRCh38, 1-based): chr7:35,204,550, G>A on the plus strand (C>T on the coding strand, the complement: TBX20 is on the minus strand). VCF-style: chr7-35204550-G-A. GRCh37 (hg19) VCF-style: chr7-35244162-G-A.
Other names: short protein forms S308F.
Identifiers: ClinVar variation 1312938 (VCV001312938.2), dbSNP rs2128709752, ClinGen allele CA367263596.
Genomic context (GRCh38, chr7:35,204,550, plus strand): 5'-CTCTCATCCCCCAAGACATCTTCTTCTCCTCCGTAGGTACGGATGGGTGAGCGTGCATAG[G>A]AATGCTTTTGAATCAGGCTCTCCACACTTTCCCTAGGTTAGAGTGACATATCACAGGTTA-3'
Protein context (NP_001071121.1, residues 298-318): ESVESLIQKH[Ser308Phe]YARSPIRTYG

ClinVar aggregate classification (germline): Uncertain significance (1 of 4 stars; one submission).

Submission:

GeneDx
Classification: Uncertain significance. Last evaluated: 2020-07-07. Review status: criteria provided, single submitter. Criteria: GeneDx Variant Classification Process June 2021. Collection method: clinical testing. Allele origin: germline. Affected: yes.
Comment: Has not been previously published as pathogenic or benign to our knowledge; Not observed in large population cohorts (Lek et al., 2016); In silico analysis supports that this missense variant does not alter protein structure/function